The following is an entry in ClinVar:

NM_014159.7(SETD2):c.26C>T (p.Pro9Leu)

Genes: SETD2 (SET domain containing 2, histone lysine methyltransferase; minus strand), LOC129936665 (ATAC-STARR-seq lymphoblastoid silent region 14306; plus strand). Cytogenetic location: 3p21.31.
Variant type: single nucleotide variant.
Coding change: c.26C>T on transcript NM_014159.7 (MANE Select); coding-DNA position 26, C replaced by T.
Protein change: p.Pro9Leu; replaces proline 9 with leucine.
Molecular consequence: missense variant. On other transcripts: 5 prime UTR variant (1), non-coding transcript variant (1).
Genome position (GRCh38, 1-based): chr3:47,163,899, G>A on the plus strand (C>T on the coding strand, the complement: SETD2 is on the minus strand). VCF-style: chr3-47163899-G-A. GRCh37 (hg19) VCF-style: chr3-47205389-G-A.
Other names: c.-91C>T (NM_001349370.3); short protein forms P9L.
Identifiers: ClinVar variation 475501 (VCV000475501.7), dbSNP rs1553707534, ClinGen allele CA352512636.

ClinVar aggregate classification (germline): Uncertain significance (1 of 4 stars; one submission).

Conditions:
Luscan-Lumish syndrome. Identifiers: Orphanet 597738, MedGen C4085873, MONDO:0014791, OMIM 616831.

Allele frequency attached by ClinVar (database versions not stated): gnomAD exomes below 0.00001.
gnomAD v4.1: 2 of 1,316,402 alleles (0.00015%); highest among the groups gnomAD compares: Admixed American, 0.0031%; no homozygotes.

Submission:

Labcorp Genetics (formerly Invitae), Labcorp
Classification: Uncertain significance for Luscan-Lumish syndrome. Last evaluated: 2018-10-03. Review status: criteria provided, single submitter. Criteria: Invitae Variant Classification Sherloc (09022015). Collection method: clinical testing. Allele origin: germline.
Comment: This sequence change replaces proline with leucine at codon 9 of the SETD2 protein (p.Pro9Leu). The proline residue is weakly conserved and there is a moderate physicochemical difference between proline and leucine. This variant is not present in population databases (ExAC no frequency) and has not been reported in the literature in individuals with a SETD2-related disease. Algorithms developed to predict the effect of missense changes on protein structure and function do not agree on the potential impact of this missense change (SIFT: "Deleterious"; PolyPhen-2: "Benign"; Align-GVGD: "Class C0"). In summary, this variant is a novel missense change with uncertain impact on protein function. It has been classified as a Variant of Uncertain Significance.